The following is an entry in ClinVar:

ClinVar aggregate classification (germline): Uncertain significance (1 of 4 stars; one submission).

Conditions:
Hereditary sensory and autonomic neuropathy type 6. Also called: Neuropathy, hereditary sensory and autonomic, type VI; HSAN VI. Identifiers: Orphanet 314381, MedGen C3539003, MONDO:0013839, OMIM 614653.
Epidermolysis bullosa simplex 3, localized or generalized intermediate, with BP230 deficiency (EBS3). Also called: Epidermolysis bullosa simplex, autosomal recessive 2; Epidermolysis bullosa simplex due to BP230 deficiency. Identifiers: Orphanet 412181, MedGen C3809470, MONDO:0014180, OMIM 615425.

Allele frequency attached by ClinVar (database versions not stated): ExAC 0.00001; gnomAD 0.00001; gnomAD exomes 0.00001 and 0.00002; TOPMed 0.00002.
gnomAD v4.1: 31 of 1,613,856 alleles (0.0019%); highest among the groups gnomAD compares: East Asian, 0.0022%; no homozygotes.

Submission:

Labcorp Genetics (formerly Invitae), Labcorp
Classification: Uncertain significance for Epidermolysis bullosa simplex 3, localized or generalized intermediate, with BP230 deficiency; Hereditary sensory and autonomic neuropathy type 6. Last evaluated: 2022-10-10. Review status: criteria provided, single submitter. Criteria: Invitae Variant Classification Sherloc (09022015). Collection method: clinical testing. Allele origin: germline.
Comment: The DST gene has multiple clinically relevant transcripts. This variant occurs in alternate transcript NM_015548.4, and corresponds to NM_001723.5:c.*151780G>A in the primary transcript. This sequence change replaces arginine, which is basic and polar, with histidine, which is basic and polar, at codon 4949 of the DST protein (p.Arg4949His). In summary, the available evidence is currently insufficient to determine the role of this variant in disease. Therefore, it has been classified as a Variant of Uncertain Significance. Experimental studies and prediction algorithms are not available or were not evaluated, and the functional significance of this variant is currently unknown. ClinVar contains an entry for this variant (Variation ID: 966234). This variant has not been reported in the literature in individuals affected with DST-related conditions. This variant is present in population databases (rs746750215, gnomAD 0.01%).

NM_001374736.1(DST):c.22787G>A (p.Arg7596His)

Gene: DST (dystonin; minus strand). Cytogenetic location: 6p12.1.
Variant type: single nucleotide variant.
Coding change: c.22787G>A on transcript NM_001374736.1 (MANE Select); coding-DNA position 22787, G replaced by A.
Protein change: p.Arg7596His; replaces arginine 7596 with histidine.
Molecular consequence: missense variant.
Genome position (GRCh38, 1-based): chr6:56,463,737, C>T on the plus strand (G>A on the coding strand, the complement: DST is on the minus strand). VCF-style: chr6-56463737-C-T. GRCh37 (hg19) VCF-style: chr6-56328535-C-T.
Other names: c.16358G>A, p.Arg5453His (NM_001144769.5); c.15944G>A, p.Arg5315His (NM_001144770.2); c.22715G>A, p.Arg7572His (NM_001374722.1); c.21827G>A, p.Arg7276His (NM_001374729.1); c.15569G>A, p.Arg5190His (NM_001374730.1); c.22742G>A, p.Arg7581His (NM_001374734.1); c.14846G>A, p.Arg4949His (NM_015548.5); c.15824G>A, p.Arg5275His (NM_183380.4); short protein forms R5190H, R5315H, R5453H, R4949H, R7276H, R7572H, R7581H, R7596H.
Identifiers: ClinVar variation 966234 (VCV000966234.6), dbSNP rs746750215, ClinGen allele CA3866141.
Genomic context (GRCh38, chr6:56,463,737, plus strand): 5'-CCTCGGGGTCGGAAAGCAGCCATACCCTGGCTGGCACCATCTGCTAAAATGAACTTCTCA[C>T]GCAGTTCCATGTTTGTCCTTCCTTTGGCTGGGTTATACACACACAACAATGCACACAAAG-3'
Protein context (NP_001361665.1, residues 7586-7606): IAKGRTNMEL[Arg7596His]EKFILADGAS